The following is an entry in ClinVar:

NM_000553.6(WRN):c.497A>G (p.Asn166Ser)

Gene: WRN (WRN RecQ like helicase; plus strand). Cytogenetic location: 8p12.
Variant type: single nucleotide variant.
Coding change: c.497A>G on transcript NM_000553.6 (MANE Select); coding-DNA position 497, A replaced by G.
Protein change: p.Asn166Ser; replaces asparagine 166 with serine.
Molecular consequence: missense variant.
Genome position (GRCh38, 1-based): chr8:31,065,056, A>G. VCF-style: chr8-31065056-A-G. GRCh37 (hg19) VCF-style: chr8-30922572-A-G.
Other names: p.Asn166Ser; short protein forms N166S.
Identifiers: ClinVar variation 655112 (VCV000655112.8), dbSNP rs772797243, ClinGen allele CA4704078.

ClinVar aggregate classification (germline): Uncertain significance. Review status: criteria provided, multiple submitters, no conflicts (2 of 4 stars). 3 submissions from 3 submitters: Uncertain significance (3). Last evaluated 2024-12-09.

Conditions:
Werner syndrome (WRN). Identifiers: Orphanet 902, MedGen C0043119, MONDO:0010196, OMIM 277700.

Allele frequency attached by ClinVar (database versions not stated): gnomAD exomes below 0.00001 and 0.00001; ExAC 0.00001; gnomAD 0.00001; TOPMed 0.00001.
gnomAD v4.1: 10 of 1,613,062 alleles (0.00062%); highest among the groups gnomAD compares: East Asian, 0.0067%; no homozygotes.

Submissions (3):

Labcorp Genetics (formerly Invitae), Labcorp
Classification: Uncertain significance for Werner syndrome. Last evaluated: 2024-12-09. Review status: criteria provided, single submitter. Criteria: Invitae Variant Classification Sherloc (09022015). Collection method: clinical testing. Allele origin: germline.
Comment: This sequence change replaces asparagine, which is neutral and polar, with serine, which is neutral and polar, at codon 166 of the WRN protein (p.Asn166Ser). This variant is present in population databases (rs772797243, gnomAD 0.007%). This variant has not been reported in the literature in individuals affected with WRN-related conditions. ClinVar contains an entry for this variant (Variation ID: 655112). An algorithm developed to predict the effect of missense changes on protein structure and function (PolyPhen-2) suggests that this variant is likely to be disruptive. In summary, the available evidence is currently insufficient to determine the role of this variant in disease. Therefore, it has been classified as a Variant of Uncertain Significance.

GeneDx
Classification: Uncertain significance. Last evaluated: 2024-08-20. Review status: criteria provided, single submitter. Criteria: GeneDx Variant Classification Process June 2021. Collection method: clinical testing. Allele origin: germline. Affected: yes.
Comment: In silico analysis supports that this missense variant has a deleterious effect on protein structure/function; Has not been previously published as pathogenic or benign to our knowledge

Mayo Clinic Laboratories, Mayo Clinic
Classification: Uncertain significance. Last evaluated: 2022-10-14. Review status: criteria provided, single submitter. Criteria: ACMG Guidelines, 2015. Collection method: clinical testing. Allele origin: germline. Observed: 1 variant allele.
Comment: PM2